The following is an entry in ClinVar:

NM_153240.5(NPHP3):c.1119C>G (p.Ser373Arg)

Genes: NPHP3 (nephrocystin 3; minus strand), NPHP3-ACAD11 (NPHP3-ACAD11 readthrough (NMD candidate); minus strand). Cytogenetic location: 3q22.1.
Variant type: single nucleotide variant.
Coding change: c.1119C>G on transcript NM_153240.5 (MANE Select); coding-DNA position 1119, C replaced by G.
Protein change: p.Ser373Arg; replaces serine 373 with arginine.
Molecular consequence: missense variant. On other transcripts: non-coding transcript variant (1).
Genome position (GRCh38, 1-based): chr3:132,708,257, G>C on the plus strand (C>G on the coding strand, the complement: NPHP3 is on the minus strand). VCF-style: chr3-132708257-G-C. GRCh37 (hg19) VCF-style: chr3-132427101-G-C.
Other names: short protein forms S373R.
Identifiers: ClinVar variation 2166935 (VCV002166935.4), dbSNP rs556746979, ClinGen allele CA2622389.

ClinVar aggregate classification (germline): Uncertain significance (1 of 4 stars; one submission).

Conditions:
Nephronophthisis. Also called: Juvenile Nephronophthisis. Identifiers: Orphanet 655, MedGen C0687120, MONDO:0019005, HP:0000090.

Allele frequency attached by ClinVar (database versions not stated): ExAC 0.00001.
gnomAD v4.1: 2 of 1,613,618 alleles (0.00012%); highest among the groups gnomAD compares: East Asian, 0.0022%; no homozygotes.

Submission:

Labcorp Genetics (formerly Invitae), Labcorp
Classification: Uncertain significance for Nephronophthisis. Last evaluated: 2022-09-06. Review status: criteria provided, single submitter. Criteria: Invitae Variant Classification Sherloc (09022015). Collection method: clinical testing. Allele origin: germline.
Comment: In summary, the available evidence is currently insufficient to determine the role of this variant in disease. Therefore, it has been classified as a Variant of Uncertain Significance. Algorithms developed to predict the effect of sequence changes on RNA splicing suggest that this variant may create or strengthen a splice site. Algorithms developed to predict the effect of missense changes on protein structure and function are either unavailable or do not agree on the potential impact of this missense change (SIFT: "Deleterious"; PolyPhen-2: "Benign"; Align-GVGD: "Class C0"). This variant has not been reported in the literature in individuals affected with NPHP3-related conditions. This variant is present in population databases (rs556746979, gnomAD 0.006%). This sequence change replaces serine, which is neutral and polar, with arginine, which is basic and polar, at codon 373 of the NPHP3 protein (p.Ser373Arg).